The following is an entry in ClinVar:

ClinVar aggregate classification (germline): Uncertain significance. Review status: criteria provided, multiple submitters, no conflicts (2 of 4 stars). 4 submissions from 4 submitters: Uncertain significance (4). Last evaluated 2024-07-15.

Conditions:
Fructose-biphosphatase deficiency (FBP1D). Also called: Fructose 1,6 Bisphosphatase Deficiency; Fructose-1,6-Diphosphatase Deficiency; Fructose-1,6-Bisphosphatase 1 Deficiency. Identifiers: Orphanet 348, MedGen C0016756, MONDO:0009251, OMIM 229700.

Allele frequency attached by ClinVar (database versions not stated): ExAC 0.00001; gnomAD 0.00001 and 0.00002; gnomAD exomes 0.00001; TOPMed 0.00003; ESP Exome Variant Server 0.00008.

Submissions (4):

Women's Health and Genetics/Laboratory Corporation of America, LabCorp
Classification: Uncertain significance. Last evaluated: 2024-07-15. Review status: criteria provided, single submitter. Criteria: LabCorp Variant Classification Summary - May 2015. Collection method: clinical testing. Allele origin: germline.
Comment: Variant summary: FBP1 c.970G>A (p.Asp324Asn) results in a conservative amino acid change located in the Fructose-1-6-bisphosphatase class 1, C-terminal domain (IPR044015) of the encoded protein sequence. Four of five in-silico tools predict a damaging effect of the variant on protein function. The frequency data for this variant in gnomAD is considered unreliable, as metrics indicate poor data quality at this position. To our knowledge, no occurrence of c.970G>A in individuals affected with Fructose-biphosphatase deficiency and no experimental evidence demonstrating its impact on protein function have been reported. ClinVar contains an entry for this variant (Variation ID: 214368). Based on the evidence outlined above, the variant was classified as uncertain significance.

GeneDx
Classification: Uncertain significance. Last evaluated: 2021-12-20. Review status: criteria provided, single submitter. Criteria: GeneDx Variant Classification Process June 2021. Collection method: clinical testing. Allele origin: germline. Affected: yes.
Comment: In silico analysis supports that this missense variant has a deleterious effect on protein structure/function; Has not been previously published as pathogenic or benign to our knowledge

Blueprint Genetics
Classification: Uncertain significance. Last evaluated: 2020-11-11. Review status: criteria provided, single submitter. Criteria: ACMG Guidelines, 2015. Collection method: clinical testing. Allele origin: germline.

Illumina Laboratory Services, Illumina
Classification: Uncertain significance for Fructose-biphosphatase deficiency. Last evaluated: 2018-01-13. Review status: criteria provided, single submitter. Criteria: ICSL Variant Classification Criteria 13 December 2019. Collection method: clinical testing. Allele origin: germline.

NM_000507.4(FBP1):c.970G>A (p.Asp324Asn)

Gene: FBP1 (fructose-bisphosphatase 1; minus strand). Cytogenetic location: 9q22.32.
Variant type: single nucleotide variant.
Coding change: c.970G>A on transcript NM_000507.4 (MANE Select); coding-DNA position 970, G replaced by A.
Protein change: p.Asp324Asn; replaces aspartic acid 324 with asparagine.
Molecular consequence: missense variant.
Genome position (GRCh38, 1-based): chr9:94,603,428, C>T on the plus strand (G>A on the coding strand, the complement: FBP1 is on the minus strand). VCF-style: chr9-94603428-C-T. GRCh37 (hg19) VCF-style: chr9-97365710-C-T.
Other names: p.D324N:GAC>AAC; c.970G>A, p.Asp324Asn (NM_001127628.2); short protein forms D324N.
Identifiers: ClinVar variation 214368 (VCV000214368.9), dbSNP rs201508880, ClinGen allele CA324724.